The following is an entry in ClinVar:

ClinVar aggregate classification (germline): Pathogenic (1 of 4 stars; one submission).

Conditions:
Immunodeficiency 31B. Also called: IMMUNODEFICIENCY 31B, MYCOBACTERIAL AND VIRAL INFECTIONS, AUTOSOMAL RECESSIVE; STAT1 DEFICIENCY, AUTOSOMAL RECESSIVE. Identifiers: Orphanet 391311, MedGen C3151088, MONDO:0013427, OMIM 613796.
Autoimmune enteropathy and endocrinopathy - susceptibility to chronic infections syndrome. Also called: Immunodeficiency 31C; Immunodeficiency 31C, autosomal dominant. Identifiers: Orphanet 391487, MedGen C3279990, MONDO:0013599, OMIM 614162.
Mendelian susceptibility to mycobacterial diseases due to partial STAT1 deficiency. Also called: IMMUNODEFICIENCY 31A, MYCOBACTERIOSIS, AUTOSOMAL DOMINANT; STAT1 DEFICIENCY, AUTOSOMAL DOMINANT; Immunodeficiency 31a. Identifiers: Orphanet 319595, MedGen C4013950, MONDO:0013956, OMIM 614892.

Submission:

Labcorp Genetics (formerly Invitae), Labcorp
Classification: Pathogenic for Mendelian susceptibility to mycobacterial diseases due to partial STAT1 deficiency; Immunodeficiency 31B; Autoimmune enteropathy and endocrinopathy - susceptibility to chronic infections syndrome. Last evaluated: 2024-10-15. Review status: criteria provided, single submitter. Criteria: Invitae Variant Classification Sherloc (09022015). Collection method: clinical testing. Allele origin: germline.
Comment: This sequence change replaces tyrosine, which is neutral and polar, with cysteine, which is neutral and slightly polar, at codon 701 of the STAT1 protein (p.Tyr701Cys). This variant is not present in population databases (gnomAD no frequency). This missense change has been observed in individual(s) with mendelian susceptibility to mycobacterial diseases (PMID: 23585529, 36630059; internal data). In at least one individual the variant was observed to be de novo. ClinVar contains an entry for this variant (Variation ID: 1524110). An algorithm developed to predict the effect of missense changes on protein structure and function (PolyPhen-2) suggests that this variant is likely to be disruptive. Experimental studies have shown that this missense change affects STAT1 function (PMID: 23585529, 23709754, 28601685, 28859974, 31114772). For these reasons, this variant has been classified as Pathogenic.

Literature cited by the submitters: PubMed 23585529; PubMed 36630059; PubMed 23709754; PubMed 28601685; PubMed 28859974; PubMed 31114772.

NM_007315.4(STAT1):c.2102A>G (p.Tyr701Cys)

Gene: STAT1 (signal transducer and activator of transcription 1; minus strand). Cytogenetic location: 2q32.2.
Variant type: single nucleotide variant.
Coding change: c.2102A>G on transcript NM_007315.4 (MANE Select); coding-DNA position 2102, A replaced by G.
Protein change: p.Tyr701Cys; replaces tyrosine 701 with cysteine.
Molecular consequence: missense variant. On other transcripts: intron variant (1).
Genome position (GRCh38, 1-based): chr2:190,975,845, T>C on the plus strand (A>G on the coding strand, the complement: STAT1 is on the minus strand). VCF-style: chr2-190975845-T-C. GRCh37 (hg19) VCF-style: chr2-191840571-T-C.
Other names: c.2042A>G, p.Tyr681Cys (NM_001384880.1); c.2108A>G, p.Tyr703Cys (NM_001384881.1); c.2096A>G, p.Tyr699Cys (NM_001384882.1); c.2003A>G, p.Tyr668Cys (NM_001384883.1); c.1943A>G, p.Tyr648Cys (NM_001384885.1); c.2126A>G, p.Tyr709Cys (NM_001384886.1); c.2009A>G, p.Tyr670Cys (NM_001384887.1); c.2072A>G, p.Tyr691Cys (NM_001384888.1); and 4 more; short protein forms Y681C, Y691C, Y648C, Y670C, Y699C, Y671C, Y701C, Y703C.
Identifiers: ClinVar variation 1524110 (VCV001524110.6), dbSNP rs2124996723, ClinGen allele CA349911881.